The following is an entry in ClinVar:

ClinVar aggregate classification (germline): Uncertain significance (1 of 4 stars; one submission).

Allele frequency attached by ClinVar (database versions not stated): TOPMed below 0.00001; gnomAD 0.00001; gnomAD exomes 0.00001.
gnomAD v4.1: 10 of 1,612,148 alleles (0.00062%); highest among the groups gnomAD compares: Non-Finnish European, 0.00085%; no homozygotes.

Submission:

Labcorp Genetics (formerly Invitae), Labcorp
Classification: Uncertain significance. Last evaluated: 2025-12-08. Review status: criteria provided, single submitter. Criteria: Invitae Variant Classification Sherloc (09022015). Collection method: clinical testing. Allele origin: germline.
Comment: This sequence change replaces leucine, which is neutral and non-polar, with glutamine, which is neutral and polar, at codon 195 of the ABCG8 protein (p.Leu195Gln). This variant is present in population databases (no rsID available, gnomAD 0.0009%). This missense change has been observed in individual(s) with sitosterolemia (PMID: 12124998). ClinVar contains an entry for this variant (Variation ID: 2203056). Invitae Evidence Modeling of protein sequence and biophysical properties (such as structural, functional, and spatial information, amino acid conservation, physicochemical variation, residue mobility, and thermodynamic stability) indicates that this missense variant is expected to disrupt ABCG8 protein function with a positive predictive value of 80%. In summary, the available evidence is currently insufficient to determine the role of this variant in disease. Therefore, it has been classified as a Variant of Uncertain Significance.

Literature cited by the submitters: PubMed 12124998.

NM_022437.3(ABCG8):c.584T>A (p.Leu195Gln)

Gene: ABCG8 (ATP binding cassette subfamily G member 8; plus strand). Cytogenetic location: 2p21.
Variant type: single nucleotide variant.
Coding change: c.584T>A on transcript NM_022437.3 (MANE Select); coding-DNA position 584, T replaced by A.
Protein change: p.Leu195Gln; replaces leucine 195 with glutamine.
Molecular consequence: missense variant.
Genome position (GRCh38, 1-based): chr2:43,852,376, T>A. VCF-style: chr2-43852376-T-A. GRCh37 (hg19) VCF-style: chr2-44079515-T-A.
Other names: c.584T>A, p.Leu195Gln (NM_001357321.2); short protein forms L195Q.
Identifiers: ClinVar variation 2203056 (VCV002203056.4), dbSNP rs1167870780, ClinGen allele CA346665955.
Genomic context (GRCh38, chr2:43,852,376, plus strand): 5'-GCCCCTGAGGTGGCCTCAAAGCTCCTTCTGGCCCACAGGTGGAGGACGTGATCGCGGAGC[T>A]GCGGCTTAGGCAGTGCGCTGACACCCGCGTGGGCAACATGTACGTGCGGGGGTTGTCGGG-3'
Protein context (NP_071882.1, residues 185-205): DKRVEDVIAE[Leu195Gln]RLRQCADTRV